The following is an entry in ClinVar:

NM_004184.4(WARS1):c.1342C>T (p.Arg448Trp)

Gene: WARS1 (tryptophanyl-tRNA synthetase 1; minus strand). Cytogenetic location: 14q32.2.
Variant type: single nucleotide variant.
Coding change: c.1342C>T on transcript NM_004184.4 (MANE Select); coding-DNA position 1342, C replaced by T.
Protein change: p.Arg448Trp; replaces arginine 448 with tryptophan.
Molecular consequence: missense variant.
Genome position (GRCh38, 1-based): chr14:100,334,949, G>A on the plus strand (C>T on the coding strand, the complement: WARS1 is on the minus strand). VCF-style: chr14-100334949-G-A. GRCh37 (hg19) VCF-style: chr14-100801286-G-A.
Other names: WARS1, ARG448TRP (rs749896038); R448W; c.1342C>T, p.Arg448Trp (NM_173701.2); c.1219C>T, p.Arg407Trp (NM_213645.2, NM_213646.2); short protein forms R407W.
Identifiers: ClinVar variation 2499492 (VCV002499492.2), dbSNP rs749896038, ClinGen allele CA390979064.
Genomic context (GRCh38, chr14:100,334,949, plus strand): 5'-AGGACAGCTTCCGGGGAGTCATGAACTCTTTCACTATCTCATCCGTGACCTCCTTGCGCC[G>A]GGCCTGGTGCTCTGCGATCAAGGGCTGCAGAACCTCTATGAGTGCCTTCTTGAGCTCACC-3'
Protein context (NP_004175.2, residues 438-458): LQPLIAEHQA[Arg448Trp]RKEVTDEIVK

ClinVar aggregate classification (germline): Uncertain significance. Review status: criteria provided, single submitter (1 of 4 stars). 2 submissions from 2 submitters: Uncertain significance (1). 1 of the submissions does not count toward it.

Conditions:
Neurodevelopmental disorder with microcephaly and speech delay, with or without brain abnormalities (NEDMSBA). Identifiers: MedGen C5830413, MONDO:0957218, OMIM 620317.

gnomAD v4.1: 10 of 1,614,152 alleles (0.00062%); highest among the groups gnomAD compares: East Asian, 0.0022%; no homozygotes.

Submissions (2):

SIB Swiss Institute of Bioinformatics
Classification: Uncertain significance for Neurodevelopmental disorder with microcephaly and speech delay, with or without brain abnormalities. Review status: criteria provided, single submitter. Criteria: ACMG Guidelines, 2015. Collection method: curation. Allele origin: unknown.
Comment: This variant is interpreted as variant of uncertain significance for Neurodevelopmental disorder with microcephaly and speech delay, with or without brain abnormalities, autosomal recessive. The following ACMG Tag(s) were applied: Absent from controls (or at extremely low frequency if recessive) in Exome Sequencing Project, 1000 Genomes Project, or Exome Aggregation Consortium (PM2); Multiple lines of computational evidence support a deleterious effect on the gene or gene product (PP3); Well-established functional studies show a deleterious effect (PS3 downgraded to supporting).

OMIM
Classification: Pathogenic for NEURODEVELOPMENTAL DISORDER WITH MICROCEPHALY AND SPEECH DELAY, WITH BRAIN ABNORMALITIES. Last evaluated: 2023-04-19. Review status: no assertion criteria provided. Collection method: literature only. Allele origin: germline. Not counted in ClinVar's aggregate classification.

Literature cited by the submitters: PubMed 35815345 (cited by SIB Swiss Institute of Bioinformatics and OMIM); PubMed 34585293 (cited by SIB Swiss Institute of Bioinformatics and OMIM).